The following is an entry in ClinVar:

NM_001377.3(DYNC2H1):c.3145C>T (p.Gln1049Ter)

Gene: DYNC2H1 (dynein cytoplasmic 2 heavy chain 1; plus strand). Cytogenetic location: 11q22.3.
Variant type: single nucleotide variant.
Coding change: c.3145C>T on transcript NM_001377.3 (MANE Select); coding-DNA position 3145, C replaced by T.
Protein change: p.Gln1049Ter; replaces glutamine 1049 with a stop codon.
Molecular consequence: nonsense.
Genome position (GRCh38, 1-based): chr11:103,153,351, C>T. VCF-style: chr11-103153351-C-T. GRCh37 (hg19) VCF-style: chr11-103024080-C-T.
Other names: c.3145C>T, p.Gln1049Ter (NM_001080463.2); short protein forms Q1049*.
Identifiers: ClinVar variation 3014537 (VCV003014537.4), dbSNP rs370490151, ClinGen allele CA6253269.
Genomic context (GRCh38, chr11:103,153,351, plus strand): 5'-ATTGGCTTATAGATTGAAGTGATGAAAGGAAATGTGAAATCACGTCTTCAGATCTATTAT[C>T]AAGAACTGGAAAAATTTAAAGCTCGTTGGGACCAACTAAAGCCTGGTGATGATGTTATTG-3'

ClinVar aggregate classification (germline): Pathogenic. Review status: criteria provided, multiple submitters, no conflicts (2 of 4 stars). 2 submissions from 2 submitters: Pathogenic (2). Last evaluated 2024-10-22.

Conditions:
Jeune thoracic dystrophy. Also called: Short-rib thoracic dysplasia; Jeune syndrome; Infantile thoracic dystrophy; Thoracic pelvic phalangeal dystrophy; Jeune's syndrome; Chondroectodermal dysplasia-like syndrome. Identifiers: Orphanet 474, MedGen C0265275, MONDO:0018770.
Asphyxiating thoracic dystrophy 3. Also called: POLYDACTYLY WITH NEONATAL CHONDRODYSTROPHY, TYPE I; SHORT-RIB THORACIC DYSPLASIA 3/6 WITH POLYDACTYLY, DIGENIC; Short rib polydactyly syndrome 2B; SHORT-RIB THORACIC DYSPLASIA 3 WITH OR WITHOUT POLYDACTYLY; Saldino-Noonan Syndrome. Identifiers: Orphanet 474, Orphanet 93269, Orphanet 93270, Orphanet 93271, MedGen C0036069, MONDO:0013127, OMIM 613091.

Allele frequency attached by ClinVar (database versions not stated): ESP Exome Variant Server 0.00009; TOPMed below 0.00001; ExAC 0.00005; gnomAD 0.00001; 1000 Genomes Project 30x 0.00016; 1000 Genomes Project 0.00020.
gnomAD v4.1: 2 of 1,546,944 alleles (0.00013%); highest among the groups gnomAD compares: African/African-American, 0.0027%; no homozygotes.

Submissions (2):

Myriad Genetics, Inc.
Classification: Pathogenic for Asphyxiating thoracic dystrophy 3. Last evaluated: 2024-10-22. Review status: criteria provided, single submitter. Criteria: Myriad Autosomal Dominant, Autosomal Recessive and X-Linked Classification Criteria (2023). Collection method: clinical testing. Allele origin: unknown.
Comment: NM_001377.2(DYNC2H1):c.3145C>T(Q1049*) is expected to be pathogenic in the context of DYNC2H1-related disorders. This variant is predicted to lead to an abnormal or absent protein product due to the creation of a premature termination codon in DYNC2H1, a gene where loss-of-function variants are known to be pathogenic. Please note: this variant was assessed in the context of healthy population screening.

Labcorp Genetics (formerly Invitae), Labcorp
Classification: Pathogenic for Jeune thoracic dystrophy. Last evaluated: 2023-05-09. Review status: criteria provided, single submitter. Criteria: Invitae Variant Classification Sherloc (09022015). Collection method: clinical testing. Allele origin: germline.
Comment: This sequence change creates a premature translational stop signal (p.Gln1049*) in the DYNC2H1 gene. It is expected to result in an absent or disrupted protein product. Loss-of-function variants in DYNC2H1 are known to be pathogenic (PMID: 23339108, 32753734). This variant is present in population databases (rs370490151, gnomAD 0.01%). This premature translational stop signal has been observed in individual(s) with clinical features of short-rib polydactyly syndrome (PMID: 34958143). For these reasons, this variant has been classified as Pathogenic.

Literature cited by the submitters: PubMed 23339108 (cited by Labcorp Genetics (formerly Invitae), Labcorp); PubMed 32753734 (cited by Labcorp Genetics (formerly Invitae), Labcorp); PubMed 34958143 (cited by Labcorp Genetics (formerly Invitae), Labcorp).